The following is an entry in ClinVar:

ClinVar aggregate classification (germline): Likely benign (1 of 4 stars; one submission).

gnomAD v4.1: 32 of 1,613,606 alleles (0.002%); highest among the groups gnomAD compares: African/African-American, 0.0053%; no homozygotes.

Submission:

CeGaT Center for Human Genetics Tuebingen
Classification: Likely benign. Last evaluated: 2026-09-01. Review status: criteria provided, single submitter. Criteria: CeGaT Center For Human Genetics Tuebingen Variant Classification Criteria Version 2. Collection method: clinical testing. Allele origin: germline. Affected: yes. Observed: 1 variant allele.
Comment: CHAMP1: BP4, BS2

NM_032436.4(CHAMP1):c.875C>T (p.Pro292Leu)

Gene: CHAMP1 (chromosome alignment maintaining phosphoprotein 1; plus strand). Cytogenetic location: 13q34.
Variant type: single nucleotide variant.
Coding change: c.875C>T on transcript NM_032436.4 (MANE Select); coding-DNA position 875, C replaced by T.
Protein change: p.Pro292Leu; replaces proline 292 with leucine.
Molecular consequence: missense variant.
Genome position (GRCh38, 1-based): chr13:114,324,717, C>T. VCF-style: chr13-114324717-C-T. GRCh37 (hg19) VCF-style: chr13-115090192-C-T.
Other names: c.875C>T, p.Pro292Leu (NM_001164144.3, NM_001164145.3); short protein forms P292L.
Identifiers: ClinVar variation 5040914 (VCV005040914.1).